The following is an entry in ClinVar:

NM_006005.3(WFS1):c.128C>A (p.Ala43Glu)

Gene: WFS1 (wolframin ER transmembrane glycoprotein; plus strand). Cytogenetic location: 4p16.1.
Variant type: single nucleotide variant.
Coding change: c.128C>A on transcript NM_006005.3 (MANE Select); coding-DNA position 128, C replaced by A.
Protein change: p.Ala43Glu; replaces alanine 43 with glutamic acid.
Molecular consequence: missense variant.
Genome position (GRCh38, 1-based): chr4:6,277,583, C>A. VCF-style: chr4-6277583-C-A. GRCh37 (hg19) VCF-style: chr4-6279310-C-A.
Other names: c.128C>A, p.Ala43Glu (NM_001145853.1); short protein forms A43E.
Identifiers: ClinVar variation 3731138 (VCV003731138.1).

ClinVar aggregate classification (germline): Uncertain significance (1 of 4 stars; one submission).

gnomAD v4.1: 1 of 1,582,528 alleles (0.000063%); highest among the groups gnomAD compares: Non-Finnish European, 0.000086%; no homozygotes.

Submission:

GeneDx
Classification: Uncertain significance. Last evaluated: 2024-08-16. Review status: criteria provided, single submitter. Criteria: GeneDx Variant Classification Process June 2021. Collection method: clinical testing. Allele origin: germline. Affected: yes.
Comment: Not observed at significant frequency in large population cohorts (gnomAD); In silico analysis indicates that this missense variant does not alter protein structure/function; Has not been previously published as pathogenic or benign to our knowledge